The following is an entry in ClinVar:

ClinVar aggregate classification (germline): Uncertain significance (1 of 4 stars; one submission).

Conditions:
SMAD6-related disease. Also called: SMAD6-related condition; SMAD6-related disorder. Identifiers: MedGen CN381596, MONDO:0700324.

gnomAD v4.1: 1 of 1,509,398 alleles (0.000066%); highest among the groups gnomAD compares: Non-Finnish European, 0.000088%; no homozygotes.

Submission:

PreventionGenetics, part of Exact Sciences
Classification: Uncertain significance for SMAD6-related condition. Last evaluated: 2024-11-20. Review status: criteria provided, single submitter. Criteria: ACMG Guidelines, 2015. Collection method: clinical testing. Allele origin: germline.
Comment: The SMAD6 c.790T>G variant is predicted to result in the amino acid substitution p.Tyr264Asp. To our knowledge, this variant has not been reported in the literature or in a large population database (gnomAD), indicating this variant is rare. At this time, the clinical significance of this variant is uncertain due to the absence of conclusive functional and genetic evidence.

NM_005585.5(SMAD6):c.790T>G (p.Tyr264Asp)

Gene: SMAD6 (SMAD family member 6; plus strand). Cytogenetic location: 15q22.31.
Variant type: single nucleotide variant.
Coding change: c.790T>G on transcript NM_005585.5 (MANE Select); coding-DNA position 790, T replaced by G.
Protein change: p.Tyr264Asp; replaces tyrosine 264 with aspartic acid.
Molecular consequence: missense variant. On other transcripts: non-coding transcript variant (1).
Genome position (GRCh38, 1-based): chr15:66,704,048, T>G. VCF-style: chr15-66704048-T-G. GRCh37 (hg19) VCF-style: chr15-66996386-T-G.
Other names: short protein forms Y264D.
Identifiers: ClinVar variation 5000119 (VCV005000119.1).